The following is an entry in ClinVar:

ClinVar aggregate classification (germline): Uncertain significance. Review status: criteria provided, multiple submitters, no conflicts (2 of 4 stars). 2 submissions from 2 submitters: Uncertain significance (2). Last evaluated 2023-11-20.

Conditions:
Cardiomyopathy (CMYO). Also called: Cardiomyopathies. Identifiers: Orphanet 167848, MedGen C0878544, MONDO:0004994, HP:0001638. Inheritance: Various modes of inheritance.
Familial isolated arrhythmogenic right ventricular dysplasia. Identifiers: Orphanet 217656, MedGen C4274968, MONDO:0016342.

Submissions (2):

All of Us Research Program, National Institutes of Health
Classification: Uncertain significance for Familial isolated arrhythmogenic right ventricular dysplasia. Last evaluated: 2023-11-20. Review status: criteria provided, single submitter. Criteria: ACMG Guidelines, 2015. Collection method: clinical testing. Allele origin: germline. Inheritance: Autosomal dominant inheritance. Observed: 1 variant allele, 1 heterozygote.
Comment: This missense variant replaces threonine with proline at codon 300 of the DSC2 protein. Computational prediction suggests that this variant may not impact protein structure and function (internally defined REVEL score threshold <= 0.5, PMID: 27666373). To our knowledge, functional studies have not been reported for this variant. This variant has not been reported in individuals affected with DSC2-related disorders in the literature. This variant has not been identified in the general population by the Genome Aggregation Database (gnomAD). The available evidence is insufficient to determine the role of this variant in disease conclusively. Therefore, this variant is classified as a Variant of Uncertain Significance.

This study involves interpretation of variants in research participants for the purpose of population health screening. Participant phenotype was not available at the time of variant classification. Additional details can be found in publication PMID: 35346344, PMCID: PMC8962531

Color Diagnostics, LLC DBA Color Health
Classification: Uncertain significance for Cardiomyopathy. Last evaluated: 2023-10-25. Review status: criteria provided, single submitter. Criteria: ACMG Guidelines, 2015. Collection method: clinical testing. Allele origin: germline.
Comment: This missense variant replaces threonine with proline at codon 300 of the DSC2 protein. Computational prediction suggests that this variant may not impact protein structure and function. To our knowledge, functional studies have not been reported for this variant. This variant has not been reported in individuals affected with DSC2-related disorders in the literature. This variant has not been identified in the general population by the Genome Aggregation Database (gnomAD). The available evidence is insufficient to determine the role of this variant in disease conclusively. Therefore, this variant is classified as a Variant of Uncertain Significance.

NM_024422.6(DSC2):c.898A>C (p.Thr300Pro)

Gene: DSC2 (desmocollin 2; minus strand). Cytogenetic location: 18q12.1.
Variant type: single nucleotide variant.
Coding change: c.898A>C on transcript NM_024422.6 (MANE Select); coding-DNA position 898, A replaced by C.
Protein change: p.Thr300Pro; replaces threonine 300 with proline.
Molecular consequence: missense variant.
Genome position (GRCh38, 1-based): chr18:31,086,620, T>G on the plus strand (A>C on the coding strand, the complement: DSC2 is on the minus strand). VCF-style: chr18-31086620-T-G. GRCh37 (hg19) VCF-style: chr18-28666583-T-G.
Other names: c.469A>C, p.Thr157Pro (NM_001406506.1, NM_001406507.1); c.898A>C, p.Thr300Pro (NM_004949.5); short protein forms T157P, T300P.
Identifiers: ClinVar variation 3074576 (VCV003074576.2), dbSNP rs531245154, ClinGen allele CA402111932.